The following is an entry in ClinVar:

ClinVar aggregate classification (germline): Uncertain significance (1 of 4 stars; one submission).

Conditions:
Congenital myasthenic syndrome 21. Also called: Myasthenic syndrome, congenital, 21, presynaptic. Identifiers: MedGen C4310654, MONDO:0014983, OMIM 617239.

gnomAD v4.1: 9 of 1,613,332 alleles (0.00056%); highest among the groups gnomAD compares: Admixed American, 0.0033%; no homozygotes.

Submission:

Kariminejad - Najmabadi Pathology & Genetics Center
Classification: Uncertain significance for Congenital myasthenic syndrome 21. Last evaluated: 2023-01-05. Review status: criteria provided, single submitter. Criteria: ACMG Guidelines, 2015. Collection method: clinical testing. Allele origin: germline. Inheritance: Autosomal recessive inheritance. Affected: yes.
Comment: PM2-PP3

NM_003055.3(SLC18A3):c.1234C>A (p.Arg412Ser)

Genes: CHAT (choline O-acetyltransferase; plus strand), SLC18A3 (solute carrier family 18 member A3; plus strand). Cytogenetic location: 10q11.23.
Variant type: single nucleotide variant.
Coding change: c.1234C>A on transcript NM_003055.3 (MANE Select); coding-DNA position 1234, C replaced by A.
Protein change: p.Arg412Ser; replaces arginine 412 with serine.
Molecular consequence: missense variant. On other transcripts: intron variant (1).
Genome position (GRCh38, 1-based): chr10:49,611,974, C>A. VCF-style: chr10-49611974-C-A. GRCh37 (hg19) VCF-style: chr10-50820020-C-A.
Other names: c.-69+2775C>A (NM_020984.4); short protein forms R412S.
Identifiers: ClinVar variation 3897007 (VCV003897007.1).